The following is an entry in ClinVar:

NM_130398.4(EXO1):c.412C>T (p.Arg138Trp)

Gene: EXO1 (exonuclease 1; plus strand). Cytogenetic location: 1q43.
Variant type: single nucleotide variant.
Coding change: c.412C>T on transcript NM_130398.4 (MANE Select); coding-DNA position 412, C replaced by T.
Protein change: p.Arg138Trp; replaces arginine 138 with tryptophan.
Molecular consequence: missense variant.
Genome position (GRCh38, 1-based): chr1:241,857,351, C>T. VCF-style: chr1-241857351-C-T. GRCh37 (hg19) VCF-style: chr1-242020653-C-T.
Other names: c.412C>T, p.Arg138Trp (NM_001319224.2, NM_003686.4, NM_006027.4); short protein forms R138W.
Identifiers: ClinVar variation 3771595 (VCV003771595.14).

ClinVar aggregate classification (germline): Uncertain significance. Review status: criteria provided, multiple submitters, no conflicts (2 of 4 stars). 2 submissions from 2 submitters: Uncertain significance (2). Last evaluated 2025-02-01.

gnomAD v4.1: 10 of 1,613,330 alleles (0.00062%); highest among the groups gnomAD compares: Admixed American, 0.005%; no homozygotes.

Submissions (2):

CeGaT Center for Human Genetics Tuebingen
Classification: Uncertain significance. Last evaluated: 2025-02-01. Review status: criteria provided, single submitter. Criteria: CeGaT Center For Human Genetics Tuebingen Variant Classification Criteria Version 2. Collection method: clinical testing. Allele origin: germline. Affected: yes. Observed: 1 variant allele.
Comment: EXO1: PM2

Blueprint Genetics
Classification: Uncertain significance. Last evaluated: 2024-10-29. Review status: criteria provided, single submitter. Criteria: ACMG Guidelines, 2015. Collection method: clinical testing. Allele origin: germline.